The following is an entry in ClinVar:

ClinVar aggregate classification (germline): Uncertain significance (1 of 4 stars; one submission).

Submission:

Women's Health and Genetics/Laboratory Corporation of America, LabCorp
Classification: Uncertain significance. Last evaluated: 2026-04-16. Review status: criteria provided, single submitter. Criteria: LabCorp Variant Classification Summary - May 2015. Collection method: clinical testing. Allele origin: germline.
Comment: Variant summary: CPS1 c.3713G>T (p.Gly1238Val) results in a non-conservative amino acid change in the encoded protein sequence. Algorithms developed to predict the effect of missense changes on protein structure and function all suggest that this variant is likely to be disruptive. The variant was absent in 251472 control chromosomes. The available data on variant occurrences in the general population are insufficient to allow any conclusion about variant significance. To our knowledge, no occurrence of c.3713G>T in individuals affected with CPS1-related conditions and no experimental evidence demonstrating its impact on protein function have been reported. No submitters have cited clinical-significance assessments for this variant to ClinVar. Based on the evidence outlined above, the variant was classified as uncertain significance.

NM_001875.5(CPS1):c.3713G>T (p.Gly1238Val)

Gene: CPS1 (carbamoyl-phosphate synthase 1; plus strand). Cytogenetic location: 2q34.
Variant type: single nucleotide variant.
Coding change: c.3713G>T on transcript NM_001875.5 (MANE Select); coding-DNA position 3713, G replaced by T.
Protein change: p.Gly1238Val; replaces glycine 1238 with valine.
Molecular consequence: missense variant. On other transcripts: non-coding transcript variant (2).
Genome position (GRCh38, 1-based): chr2:210,658,645, G>T. VCF-style: chr2-210658645-G-T. GRCh37 (hg19) VCF-style: chr2-211523369-G-T.
Other names: c.3713G>T, p.Gly1238Val (NM_001122633.3, NM_001369257.1); c.3746G>T, p.Gly1249Val (NM_001369256.1); short protein forms G1238V, G1249V.
Identifiers: ClinVar variation 4848504 (VCV004848504.1).